The following is an entry in ClinVar:

NM_018699.4(PRDM5):c.757C>A (p.Gln253Lys)

Gene: PRDM5 (PR/SET domain 5; minus strand). Cytogenetic location: 4q27.
Variant type: single nucleotide variant.
Coding change: c.757C>A on transcript NM_018699.4 (MANE Select); coding-DNA position 757, C replaced by A.
Protein change: p.Gln253Lys; replaces glutamine 253 with lysine.
Molecular consequence: missense variant.
Genome position (GRCh38, 1-based): chr4:120,816,561, G>T on the plus strand (C>A on the coding strand, the complement: PRDM5 is on the minus strand). VCF-style: chr4-120816561-G-T. GRCh37 (hg19) VCF-style: chr4-121737716-G-T.
Other names: p.Gln253Lys; c.757C>A (NM_018699.3); c.664C>A, p.Gln222Lys (NM_001300823.2, NM_001300824.2, NM_001379106.1); c.757C>A, p.Gln253Lys (NM_001379104.1); short protein forms Q222K, Q253K.
Identifiers: ClinVar variation 1759603 (VCV001759603.4), dbSNP rs533311848, ClinGen allele CA3061290.

ClinVar aggregate classification (germline): Conflicting classifications of pathogenicity. Review status: criteria provided, conflicting classifications (1 of 4 stars). 2 submissions from 2 submitters: Uncertain significance (1); Likely benign (1). Last evaluated 2025-09-24.

Conditions:
Cardiovascular phenotype. Identifiers: MedGen CN230736.

Allele frequency attached by ClinVar (database versions not stated): TOPMed 0.00001; gnomAD 0.00002; ExAC 0.00001; gnomAD exomes 0.00006.
gnomAD v4.1: 86 of 1,613,968 alleles (0.0053%); highest among the groups gnomAD compares: Non-Finnish European, 0.007%; no homozygotes.

Submissions (2):

Ambry Genetics
Classification: Likely benign for Cardiovascular phenotype. Last evaluated: 2025-09-24. Review status: criteria provided, single submitter. Criteria: Ambry Variant Classification Scheme 2023. Collection method: clinical testing. Allele origin: germline.

Mayo Clinic Laboratories, Mayo Clinic
Classification: Uncertain significance. Last evaluated: 2023-05-23. Review status: criteria provided, single submitter. Criteria: ACMG Guidelines, 2015. Collection method: clinical testing. Allele origin: germline. Observed: 1 variant allele.
Comment: BP4_strong